The following is an entry in ClinVar:

ClinVar aggregate classification (germline): Uncertain significance (1 of 4 stars; one submission).

Submission:

Labcorp Genetics (formerly Invitae), Labcorp
Classification: Uncertain significance. Last evaluated: 2022-04-18. Review status: criteria provided, single submitter. Criteria: Invitae Variant Classification Sherloc (09022015). Collection method: clinical testing. Allele origin: germline.
Comment: This sequence change replaces serine, which is neutral and polar, with arginine, which is basic and polar, at codon 1454 of the PCDH15 protein (p.Ser1454Arg). This variant is not present in population databases (gnomAD no frequency). This variant has not been reported in the literature in individuals affected with PCDH15-related conditions. Algorithms developed to predict the effect of missense changes on protein structure and function are either unavailable or do not agree on the potential impact of this missense change (SIFT: "Tolerated"; PolyPhen-2: "Possibly Damaging"; Align-GVGD: "Class C0"). In summary, the available evidence is currently insufficient to determine the role of this variant in disease. Therefore, it has been classified as a Variant of Uncertain Significance.

NM_001384140.1(PCDH15):c.4360A>C (p.Ser1454Arg)

Gene: PCDH15 (protocadherin related 15; minus strand). Cytogenetic location: 10q21.1.
Variant type: single nucleotide variant.
Coding change: c.4360A>C on transcript NM_001384140.1 (MANE Select); coding-DNA position 4360, A replaced by C.
Protein change: p.Ser1454Arg; replaces serine 1454 with arginine.
Molecular consequence: missense variant.
Genome position (GRCh38, 1-based): chr10:53,827,400, T>G on the plus strand (A>C on the coding strand, the complement: PCDH15 is on the minus strand). VCF-style: chr10-53827400-T-G. GRCh37 (hg19) VCF-style: chr10-55587160-T-G.
Other names: c.4375A>C, p.Ser1459Arg (NM_001142763.2, NM_001142771.2); c.4360A>C, p.Ser1454Arg (NM_001142764.2, NM_001142770.3, NM_001142772.2 and 3 more transcripts); c.4147A>C, p.Ser1383Arg (NM_001142765.2); c.4351A>C, p.Ser1451Arg (NM_001142766.2); c.4240A>C, p.Ser1414Arg (NM_001142767.2); c.4294A>C, p.Ser1432Arg (NM_001142768.2, NM_001354404.2); c.4396A>C, p.Ser1466Arg (NM_001142769.4); c.4285A>C, p.Ser1429Arg (NM_001142773.2); and 1 more; short protein forms S1454R, S1383R, S1429R, S1466R, S1414R, S1432R, S1451R, S1459R.
Identifiers: ClinVar variation 1350237 (VCV001350237.3), dbSNP rs144616228, ClinGen allele CA376527567.